The following is an entry in ClinVar:

ClinVar aggregate classification (germline): Uncertain significance. Review status: criteria provided, multiple submitters, no conflicts (2 of 4 stars). 3 submissions from 3 submitters: Uncertain significance (3). Last evaluated 2025-02-05.

Conditions:
Congenital myasthenic syndrome 8. Also called: Myasthenic syndrome, congenital, 8, with pre- and postsynaptic defects; MYASTHENIC SYNDROME, CONGENITAL, DUE TO AGRIN DEFICIENCY. Identifiers: Orphanet 590, MedGen C3808739, MONDO:0014052, OMIM 615120.

Allele frequency attached by ClinVar (database versions not stated): ExAC 0.00060; 1000 Genomes Project 30x 0.00062; gnomAD exomes 0.00047 and 0.00113; gnomAD 0.00056 and 0.00057; ESP Exome Variant Server 0.00062; 1000 Genomes Project 0.00080; TOPMed 0.00055.
gnomAD v4.1: 1,690 of 1,611,870 alleles (0.1%); highest among the groups gnomAD compares: Non-Finnish European, 0.14%; 2 homozygotes.

Submissions (3):

GeneDx
Classification: Uncertain significance. Last evaluated: 2025-02-05. Review status: criteria provided, single submitter. Criteria: GeneDx Variant Classification Process June 2021. Collection method: clinical testing. Allele origin: germline. Affected: yes.
Comment: In silico analysis indicates that this missense variant does not alter protein structure/function; Has not been previously published as pathogenic or benign to our knowledge

Labcorp Genetics (formerly Invitae), Labcorp
Classification: Uncertain significance for Congenital myasthenic syndrome 8. Last evaluated: 2022-10-28. Review status: criteria provided, single submitter. Criteria: Invitae Variant Classification Sherloc (09022015). Collection method: clinical testing. Allele origin: germline.
Comment: This sequence change replaces alanine, which is neutral and non-polar, with glutamic acid, which is acidic and polar, at codon 996 of the AGRN protein (p.Ala996Glu). This variant is present in population databases (rs148475305, gnomAD 0.09%), and has an allele count higher than expected for a pathogenic variant. This variant has not been reported in the literature in individuals affected with AGRN-related conditions. ClinVar contains an entry for this variant (Variation ID: 474111). Algorithms developed to predict the effect of missense changes on protein structure and function output the following: SIFT: "Tolerated"; PolyPhen-2: "Possibly Damaging"; Align-GVGD: "Class C0". The glutamic acid amino acid residue is found in multiple mammalian species, which suggests that this missense change does not adversely affect protein function. In summary, the available evidence is currently insufficient to determine the role of this variant in disease. Therefore, it has been classified as a Variant of Uncertain Significance.

Breakthrough Genomics
Classification: Uncertain significance. Review status: criteria provided, single submitter. Criteria: ACMG Guidelines, 2015. Collection method: not provided. Allele origin: germline. Inheritance: Autosomal recessive inheritance. Affected: yes.

NM_198576.4(AGRN):c.2987C>A (p.Ala996Glu)

Gene: AGRN (agrin; plus strand). Cytogenetic location: 1p36.33.
Variant type: single nucleotide variant.
Coding change: c.2987C>A on transcript NM_198576.4 (MANE Select); coding-DNA position 2987, C replaced by A.
Protein change: p.Ala996Glu; replaces alanine 996 with glutamic acid.
Molecular consequence: missense variant.
Genome position (GRCh38, 1-based): chr1:1,046,472, C>A. VCF-style: chr1-1046472-C-A. GRCh37 (hg19) VCF-style: chr1-981852-C-A.
Other names: c.2987C>A, p.Ala996Glu (NM_001305275.2); c.2672C>A, p.Ala891Glu (NM_001364727.2); short protein forms A996E, A891E.
Identifiers: ClinVar variation 474111 (VCV000474111.10), dbSNP rs148475305, ClinGen allele CA508899.